The following is an entry in ClinVar:

ClinVar aggregate classification (germline): Likely benign. Review status: criteria provided, multiple submitters, no conflicts (2 of 4 stars). 3 submissions from 3 submitters: Likely benign (2). 1 of the submissions does not count toward it. Last evaluated 2024-11-25.

Conditions:
DNAH2-related disorder. Also called: DNAH2-related condition.

Allele frequency attached by ClinVar (database versions not stated): ESP Exome Variant Server 0.00100; gnomAD 0.00107; 1000 Genomes Project 0.00120; 1000 Genomes Project 30x 0.00141; ExAC 0.00167; gnomAD exomes 0.00181.
gnomAD v4.1: 2,788 of 1,614,124 alleles (0.17%); highest among the groups gnomAD compares: South Asian, 0.31%; 7 homozygotes.

Submissions (3):

Blueprint Genetics
Classification: Likely benign. Last evaluated: 2024-11-25. Review status: criteria provided, single submitter. Criteria: ACMG Guidelines, 2015. Collection method: clinical testing. Allele origin: germline.

CeGaT Center for Human Genetics Tuebingen
Classification: Likely benign. Last evaluated: 2024-09-01. Review status: criteria provided, single submitter. Criteria: CeGaT Center For Human Genetics Tuebingen Variant Classification Criteria Version 2. Collection method: clinical testing. Allele origin: germline. Affected: yes. Observed: 2 variant alleles.
Comment: DNAH2: BP4, BP7

PreventionGenetics, part of Exact Sciences
Classification: Likely benign for DNAH2-related condition. Last evaluated: 2019-07-19. Review status: no assertion criteria provided. Collection method: clinical testing. Allele origin: germline. Not counted in ClinVar's aggregate classification.
Comment: This variant is classified as likely benign based on ACMG/AMP sequence variant interpretation guidelines (Richards et al. 2015 PMID: 25741868, with internal and published modifications).

NM_020877.5(DNAH2):c.12748T>C (p.Leu4250=)

Gene: DNAH2 (dynein axonemal heavy chain 2; plus strand). Cytogenetic location: 17p13.1.
Variant type: single nucleotide variant.
Coding change: c.12748T>C on transcript NM_020877.5 (MANE Select); coding-DNA position 12748, T replaced by C.
Protein change: p.Leu4250=; no amino-acid change (leucine 4250 retained).
Molecular consequence: synonymous variant.
Genome position (GRCh38, 1-based): chr17:7,832,600, T>C. VCF-style: chr17-7832600-T-C. GRCh37 (hg19) VCF-style: chr17-7735918-T-C.
Other names: c.12748T>C (NM_020877.3).
Identifiers: ClinVar variation 2647389 (VCV002647389.26), dbSNP rs75686971, ClinGen allele CA8359838.